The following is an entry in ClinVar:

ClinVar aggregate classification (germline): Likely benign (1 of 4 stars; one submission).

gnomAD v4.1: 103 of 1,613,998 alleles (0.0064%); highest among the groups gnomAD compares: South Asian, 0.11%; 1 homozygote.

Submission:

CeGaT Center for Human Genetics Tuebingen
Classification: Likely benign. Last evaluated: 2025-10-01. Review status: criteria provided, single submitter. Criteria: CeGaT Center For Human Genetics Tuebingen Variant Classification Criteria Version 2. Collection method: clinical testing. Allele origin: germline. Affected: yes. Observed: 1 variant allele.
Comment: DNAH17: BP4, BP7

NM_173628.4(DNAH17):c.4632C>A (p.Thr1544=)

Genes: DNAH17 (dynein axonemal heavy chain 17; minus strand), LOC126862654 (MED14-independent group 3 enhancer GRCh37_chr17:76502868-76504067; plus strand). Cytogenetic location: 17q25.3.
Variant type: single nucleotide variant.
Coding change: c.4632C>A on transcript NM_173628.4 (MANE Select); coding-DNA position 4632, C replaced by A.
Protein change: p.Thr1544=; no amino-acid change (threonine 1544 retained).
Molecular consequence: synonymous variant.
Genome position (GRCh38, 1-based): chr17:78,507,322, G>T on the plus strand (C>A on the coding strand, the complement: DNAH17 is on the minus strand). VCF-style: chr17-78507322-G-T. GRCh37 (hg19) VCF-style: chr17-76503404-G-T.
Identifiers: ClinVar variation 4534295 (VCV004534295.6).
Genomic context (GRCh38, chr17:78,507,322, plus strand): 5'-TAGGTGTGAGCCGCACCTCTTCTTCAGGGCCTCCAGTTTATTGTAGAGGCCGGGTTTGCT[G>T]GTGGCTTCCACCACGTTGGGTGTTTTCACTGCATCTTCCATCAAGGCCTGGGAAGAGAAG-3'
Protein context (NP_775899.3, residues 1534-1554): AVKTPNVVEA[Thr1544=]SKPGLYNKLE